The following is an entry in ClinVar:

ClinVar aggregate classification (germline): Uncertain significance (1 of 4 stars; one submission).

Submission:

Ambry Genetics
Classification: Uncertain significance. Last evaluated: 2024-07-03. Review status: criteria provided, single submitter. Criteria: Ambry Variant Classification Scheme 2023. Collection method: clinical testing. Allele origin: germline.
Comment: The p.L1534S variant (also known as c.4601T>C), located in coding exon 4 of the ALPK2 gene, results from a T to C substitution at nucleotide position 4601. The leucine at codon 1534 is replaced by serine, an amino acid with dissimilar properties. This amino acid position is conserved. In addition, this alteration is predicted to be tolerated by in silico analysis. Based on the available evidence, the clinical significance of this variant remains unclear.

NM_052947.4(ALPK2):c.4601T>C (p.Leu1534Ser)

Genes: ALPK2 (alpha kinase 2; minus strand), LOC126862764 (BRD4-independent group 4 enhancer GRCh37_chr18:56202574-56203773; plus strand). Cytogenetic location: 18q21.31.
Variant type: single nucleotide variant.
Coding change: c.4601T>C on transcript NM_052947.4 (MANE Select); coding-DNA position 4601, T replaced by C.
Protein change: p.Leu1534Ser; replaces leucine 1534 with serine.
Molecular consequence: missense variant.
Genome position (GRCh38, 1-based): chr18:58,535,586, A>G on the plus strand (T>C on the coding strand, the complement: ALPK2 is on the minus strand). VCF-style: chr18-58535586-A-G. GRCh37 (hg19) VCF-style: chr18-56202818-A-G.
Other names: short protein forms L1534S.
Identifiers: ClinVar variation 3530604 (VCV003530604.1).